The following is an entry in ClinVar:

NM_000535.7(PMS2):c.1652G>T (p.Cys551Phe)

Gene: PMS2 (PMS1 homolog 2, mismatch repair system component; minus strand). Cytogenetic location: 7p22.1.
Variant type: single nucleotide variant.
Coding change: c.1652G>T on transcript NM_000535.7 (MANE Select); coding-DNA position 1652, G replaced by T.
Protein change: p.Cys551Phe; replaces cysteine 551 with phenylalanine.
Molecular consequence: missense variant. On other transcripts: non-coding transcript variant (1).
Genome position (GRCh38, 1-based): chr7:5,987,113, C>A on the plus strand (G>T on the coding strand, the complement: PMS2 is on the minus strand). VCF-style: chr7-5987113-C-A. GRCh37 (hg19) VCF-style: chr7-6026744-C-A.
Other names: c.1247G>T, p.Cys416Phe (NM_001322003.2, NM_001322004.2, NM_001322005.2 and 1 more transcripts); c.1496G>T, p.Cys499Phe (NM_001322006.2); c.1334G>T, p.Cys445Phe (NM_001322007.2, NM_001322008.2); c.1091G>T, p.Cys364Phe (NM_001322010.2); c.719G>T, p.Cys240Phe (NM_001322011.2, NM_001322012.2); c.1079G>T, p.Cys360Phe (NM_001322013.2); c.1652G>T, p.Cys551Phe (NM_001322014.2); c.1343G>T, p.Cys448Phe (NM_001322015.2); short protein forms C551F, C360F, C499F, C240F, C445F, C448F, C364F, C416F.
Identifiers: ClinVar variation 492266 (VCV000492266.17), dbSNP rs1554297409, ClinGen allele CA366741369.

ClinVar aggregate classification (germline): Uncertain significance. Review status: criteria provided, multiple submitters, no conflicts (2 of 4 stars). 3 submissions from 3 submitters: Uncertain significance (3). Last evaluated 2023-12-05.

Conditions:
Hereditary nonpolyposis colorectal neoplasms. Identifiers: MedGen C0009405, MeSH D003123.
Hereditary cancer-predisposing syndrome. Also called: Hereditary neoplastic syndrome; Tumor predisposition; Hereditary Cancer Syndrome; Neoplastic Syndromes, Hereditary. Identifiers: Orphanet 140162, MedGen C0027672, MeSH D009386, MONDO:0015356.

Submissions (3):

Color Diagnostics, LLC DBA Color Health
Classification: Uncertain significance for Hereditary cancer-predisposing syndrome. Last evaluated: 2023-12-05. Review status: criteria provided, single submitter. Criteria: ACMG Guidelines, 2015. Collection method: clinical testing. Allele origin: germline.
Comment: This missense variant replaces cysteine with phenylalanine at codon 551 of the PMS2 protein. Computational prediction suggests that this variant may not impact protein structure and function (internally defined REVEL score threshold <= 0.5, PMID: 27666373). To our knowledge, functional studies have not been reported for this variant. This variant has not been reported in individuals affected with PMS2-related disorders in the literature. This variant has not been identified in the general population by the Genome Aggregation Database (gnomAD). The available evidence is insufficient to determine the role of this variant in disease conclusively. Therefore, this variant is classified as a Variant of Uncertain Significance.

Labcorp Genetics (formerly Invitae), Labcorp
Classification: Uncertain significance for Hereditary nonpolyposis colorectal neoplasms. Last evaluated: 2022-09-10. Review status: criteria provided, single submitter. Criteria: Invitae Variant Classification Sherloc (09022015). Collection method: clinical testing. Allele origin: germline.
Comment: This sequence change replaces cysteine, which is neutral and slightly polar, with phenylalanine, which is neutral and non-polar, at codon 551 of the PMS2 protein (p.Cys551Phe). This variant is not present in population databases (gnomAD no frequency). This variant has not been reported in the literature in individuals affected with PMS2-related conditions. ClinVar contains an entry for this variant (Variation ID: 492266). Algorithms developed to predict the effect of missense changes on protein structure and function (SIFT, PolyPhen-2, Align-GVGD) all suggest that this variant is likely to be tolerated. In summary, the available evidence is currently insufficient to determine the role of this variant in disease. Therefore, it has been classified as a Variant of Uncertain Significance.

Ambry Genetics
Classification: Uncertain significance for Hereditary cancer-predisposing syndrome. Last evaluated: 2021-05-11. Review status: criteria provided, single submitter. Criteria: Ambry Variant Classification Scheme 2023. Collection method: clinical testing. Allele origin: germline.
Comment: The p.C551F variant (also known as c.1652G>T), located in coding exon 11 of the PMS2 gene, results from a G to T substitution at nucleotide position 1652. The cysteine at codon 551 is replaced by phenylalanine, an amino acid with highly dissimilar properties. This amino acid position is not well conserved in available vertebrate species. In addition, this alteration is predicted to be tolerated by in silico analysis. Since supporting evidence is limited at this time, the clinical significance of this alteration remains unclear.